The following is an entry in ClinVar:

NM_005609.4(PYGM):c.1748A>G (p.His583Arg)

Gene: PYGM (glycogen phosphorylase, muscle associated; minus strand). Cytogenetic location: 11q13.1.
Variant type: single nucleotide variant.
Coding change: c.1748A>G on transcript NM_005609.4 (MANE Select); coding-DNA position 1748, A replaced by G.
Protein change: p.His583Arg; replaces histidine 583 with arginine.
Molecular consequence: missense variant.
Genome position (GRCh38, 1-based): chr11:64,751,944, T>C on the plus strand (A>G on the coding strand, the complement: PYGM is on the minus strand). VCF-style: chr11-64751944-T-C. GRCh37 (hg19) VCF-style: chr11-64519416-T-C.
Other names: c.1484A>G, p.His495Arg (NM_001164716.1); short protein forms H495R, H583R.
Identifiers: ClinVar variation 877374 (VCV000877374.7), dbSNP rs760543538, ClinGen allele CA6079768.

ClinVar aggregate classification (germline): Uncertain significance. Review status: criteria provided, multiple submitters, no conflicts (2 of 4 stars). 3 submissions from 3 submitters: Uncertain significance (3). Last evaluated 2025-04-16.

Conditions:
Glycogen storage disease, type V (GSD5). Also called: MCARDLE DISEASE; MUSCLE GLYCOGEN PHOSPHORYLASE DEFICIENCY; MYOPHOSPHORYLASE DEFICIENCY; PYGM DEFICIENCY; McArdle type glycogen storage disease. Identifiers: Orphanet 368, MedGen C0017924, MONDO:0009293, OMIM 232600.

Allele frequency attached by ClinVar (database versions not stated): TOPMed below 0.00001; gnomAD exomes 0.00001; ExAC 0.00002.
gnomAD v4.1: 5 of 1,614,110 alleles (0.00031%); highest among the groups gnomAD compares: East Asian, 0.0022%; no homozygotes.

Submissions (3):

Revvity Omics, Revvity
Classification: Uncertain significance for Glycogen storage disease, type V. Last evaluated: 2025-04-16. Review status: criteria provided, single submitter. Criteria: ACMG Guidelines, 2015. Collection method: clinical testing. Allele origin: germline.

Labcorp Genetics (formerly Invitae), Labcorp
Classification: Uncertain significance for Glycogen storage disease, type V. Last evaluated: 2022-10-17. Review status: criteria provided, single submitter. Criteria: Invitae Variant Classification Sherloc (09022015). Collection method: clinical testing. Allele origin: germline.
Comment: This sequence change replaces histidine with arginine at codon 583 of the PYGM protein (p.His583Arg). The histidine residue is highly conserved and there is a small physicochemical difference between histidine and arginine. This variant is present in population databases (rs760543538, gnomAD 0.003%). This variant has not been reported in the literature in individuals affected with PYGM-related conditions. ClinVar contains an entry for this variant (Variation ID: 877374). Advanced modeling of protein sequence and biophysical properties (such as structural, functional, and spatial information, amino acid conservation, physicochemical variation, residue mobility, and thermodynamic stability) performed at Invitae indicates that this missense variant is not expected to disrupt PYGM protein function. In summary, the available evidence is currently insufficient to determine the role of this variant in disease. Therefore, it has been classified as a Variant of Uncertain Significance.

Illumina Laboratory Services, Illumina
Classification: Uncertain significance for Glycogen storage disease, type V. Last evaluated: 2018-01-13. Review status: criteria provided, single submitter. Criteria: ICSL Variant Classification Criteria 13 December 2019. Collection method: clinical testing. Allele origin: germline.